The following is an entry in ClinVar:

NM_001042492.3(NF1):c.6283G>A (p.Asp2095Asn)

Gene: NF1 (neurofibromin 1; plus strand). Cytogenetic location: 17q11.2.
Variant type: single nucleotide variant.
Coding change: c.6283G>A on transcript NM_001042492.3 (MANE Select); coding-DNA position 6283, G replaced by A.
Protein change: p.Asp2095Asn; replaces aspartic acid 2095 with asparagine.
Molecular consequence: missense variant.
Genome position (GRCh38, 1-based): chr17:31,336,770, G>A. VCF-style: chr17-31336770-G-A. GRCh37 (hg19) VCF-style: chr17-29663788-G-A.
Other names: c.6220G>A, p.Asp2074Asn (NM_000267.4); short protein forms D2074N, D2095N.
Identifiers: ClinVar variation 1327880 (VCV001327880.9), dbSNP rs1254820959, ClinGen allele CA399012205.

ClinVar aggregate classification (germline): Uncertain significance. Review status: criteria provided, multiple submitters, no conflicts (2 of 4 stars). 3 submissions from 3 submitters: Uncertain significance (3). Last evaluated 2022-05-15.

Conditions:
Neurofibromatosis, type 1 (NF1). Also called: Peripheral type neurofibromatosis; Neurofibromatosis, type I; VON RECKLINGHAUSEN DISEASE; NEUROFIBROMATOSIS, TYPE I, SOMATIC. Identifiers: Orphanet 636, MedGen C0027831, MONDO:0018975, OMIM 162200. Disease mechanism: loss of function.

Allele frequency attached by ClinVar (database versions not stated): gnomAD exomes below 0.00001.
gnomAD v4.1: 1 of 1,614,036 alleles (0.000062%); no homozygotes.

Submissions (3):

Labcorp Genetics (formerly Invitae), Labcorp
Classification: Uncertain significance for Neurofibromatosis, type 1. Last evaluated: 2022-05-15. Review status: criteria provided, single submitter. Criteria: Invitae Variant Classification Sherloc (09022015). Collection method: clinical testing. Allele origin: germline.
Comment: Advanced modeling of protein sequence and biophysical properties (such as structural, functional, and spatial information, amino acid conservation, physicochemical variation, residue mobility, and thermodynamic stability) performed at Invitae indicates that this missense variant is expected to disrupt NF1 protein function. In summary, the available evidence is currently insufficient to determine the role of this variant in disease. Therefore, it has been classified as a Variant of Uncertain Significance. ClinVar contains an entry for this variant (Variation ID: 1327880). This variant has not been reported in the literature in individuals affected with NF1-related conditions. This variant is present in population databases (no rsID available, gnomAD 0.01%). This sequence change replaces aspartic acid, which is acidic and polar, with asparagine, which is neutral and polar, at codon 2074 of the NF1 protein (p.Asp2074Asn).

Genome-Nilou Lab
Classification: Uncertain significance for Neurofibromatosis, type 1. Last evaluated: 2022-03-15. Review status: criteria provided, single submitter. Criteria: ACMG Guidelines, 2015. Collection method: clinical testing. Allele origin: germline. Affected: no.

GeneDx
Classification: Uncertain significance. Last evaluated: 2021-06-11. Review status: criteria provided, single submitter. Criteria: GeneDx Variant Classification Process June 2021. Collection method: clinical testing. Allele origin: germline. Affected: yes.
Comment: In silico analysis supports that this missense variant has a deleterious effect on protein structure/function; Has not been previously published as pathogenic or benign to our knowledge; This variant is associated with the following publications: (PMID: 27535533, 25486365, 2121369, 22807134)